The following is an entry in ClinVar:

ClinVar aggregate classification (germline): Benign/Likely benign. Review status: criteria provided, multiple submitters, no conflicts (2 of 4 stars). 2 submissions from 2 submitters: Benign (1); Likely benign (1). Last evaluated 2025-03-12.

Conditions:
Hereditary cancer-predisposing syndrome. Also called: Tumor predisposition; Hereditary Cancer Syndrome; Neoplastic Syndromes, Hereditary; Hereditary neoplastic syndrome. Identifiers: Orphanet 140162, MedGen C0027672, MeSH D009386, MONDO:0015356.
Pheochromocytoma/paraganglioma syndrome 4. Also called: CAROTID BODY TUMORS AND MULTIPLE EXTRAADRENAL PHEOCHROMOCYTOMAS; PARAGANGLIOMA, FAMILIAL MALIGNANT; PARAGANGLIOMAS, HEREDITARY EXTRAADRENAL; PHEOCHROMOCYTOMA, FAMILIAL EXTRAADRENAL; Paragangliomas 4; SDHB-Related Hereditary Paraganglioma-Pheochromocytoma Syndrome (Paragangliomas 4). Identifiers: Orphanet 29072, MedGen C1861848, MONDO:0007273, OMIM 115310.

Allele frequency attached by ClinVar (database versions not stated): gnomAD exomes below 0.00001.
gnomAD v4.1: 2 of 1,613,580 alleles (0.00012%); highest among the groups gnomAD compares: Non-Finnish European, 0.00017%; no homozygotes.

Submissions (2):

Myriad Genetics, Inc.
Classification: Benign for Pheochromocytoma/paraganglioma syndrome 4. Last evaluated: 2025-03-12. Review status: criteria provided, single submitter. Criteria: Myriad Autosomal Dominant, Autosomal Recessive and X-Linked Classification Criteria (2023). Collection method: clinical testing. Allele origin: unknown.
Comment: This variant is considered benign. This variant is a silent/synonymous amino acid change and it is not expected to impact splicing.

Ambry Genetics
Classification: Likely benign for Hereditary cancer-predisposing syndrome. Last evaluated: 2024-01-12. Review status: criteria provided, single submitter. Criteria: Ambry Variant Classification Scheme 2023. Collection method: clinical testing. Allele origin: germline.

NM_003000.3(SDHB):c.78C>T (p.Ser26=)

Gene: SDHB (succinate dehydrogenase complex iron sulfur subunit B; minus strand). Cytogenetic location: 1p36.13.
Variant type: single nucleotide variant.
Coding change: c.78C>T on transcript NM_003000.3 (MANE Select); coding-DNA position 78, C replaced by T.
Protein change: p.Ser26=; no amino-acid change (serine 26 retained).
Molecular consequence: synonymous variant.
Genome position (GRCh38, 1-based): chr1:17,044,883, G>A on the plus strand (C>T on the coding strand, the complement: SDHB is on the minus strand). VCF-style: chr1-17044883-G-A. GRCh37 (hg19) VCF-style: chr1-17371378-G-A.
Other names: c.78C>T, p.Ser26= (NM_001407361.1).
Identifiers: ClinVar variation 3223022 (VCV003223022.2), dbSNP rs2101541630, ClinGen allele CA416047234.